The following is an entry in ClinVar:

ClinVar aggregate classification (germline): Uncertain significance. Review status: criteria provided, multiple submitters, no conflicts (2 of 4 stars). 2 submissions from 2 submitters: Uncertain significance (2). Last evaluated 2025-04-17.

Conditions:
Cohen syndrome (COH1). Also called: PEPPER SYNDROME; Cutis verticis gyrata, retinitis pigmentosa, and sensorineural deafness. Identifiers: Orphanet 193, MedGen C0265223, MONDO:0008999, OMIM 216550.
VPS13B-related disorder. Also called: VPS13B-related condition.

gnomAD v4.1: 5 of 1,614,142 alleles (0.00031%); highest among the groups gnomAD compares: Admixed American, 0.005%; no homozygotes.

Submissions (2):

PreventionGenetics, part of Exact Sciences
Classification: Uncertain significance for VPS13B-related condition. Last evaluated: 2025-04-17. Review status: criteria provided, single submitter. Criteria: ACMG Guidelines, 2015. Collection method: clinical testing. Allele origin: germline.
Comment: The VPS13B c.6589A>C variant is predicted to result in the amino acid substitution p.Ser2197Arg. To our knowledge, this variant has not been reported in the literature. This variant is reported in 0.0058% of alleles in individuals of Latino descent in gnomAD. At this time, the clinical significance of this variant is uncertain due to the absence of conclusive functional and genetic evidence.

Labcorp Genetics (formerly Invitae), Labcorp
Classification: Uncertain significance for Cohen syndrome. Last evaluated: 2024-01-18. Review status: criteria provided, single submitter. Criteria: Invitae Variant Classification Sherloc (09022015). Collection method: clinical testing. Allele origin: germline.
Comment: This sequence change replaces serine, which is neutral and polar, with arginine, which is basic and polar, at codon 2222 of the VPS13B protein (p.Ser2222Arg). This variant is present in population databases (no rsID available, gnomAD 0.006%). This variant has not been reported in the literature in individuals affected with VPS13B-related conditions. ClinVar contains an entry for this variant (Variation ID: 1406016). Advanced modeling of protein sequence and biophysical properties (such as structural, functional, and spatial information, amino acid conservation, physicochemical variation, residue mobility, and thermodynamic stability) performed at Invitae indicates that this missense variant is expected to disrupt VPS13B protein function with a positive predictive value of 80%. In summary, the available evidence is currently insufficient to determine the role of this variant in disease. Therefore, it has been classified as a Variant of Uncertain Significance.

NM_152564.5(VPS13B):c.6589A>C (p.Ser2197Arg)

Gene: VPS13B (vacuolar protein sorting 13 homolog B; plus strand). Cytogenetic location: 8q22.2.
Variant type: single nucleotide variant.
Coding change: c.6589A>C on transcript NM_152564.5 (MANE Select); coding-DNA position 6589, A replaced by C.
Protein change: p.Ser2197Arg; replaces serine 2197 with arginine.
Molecular consequence: missense variant.
Genome position (GRCh38, 1-based): chr8:99,717,305, A>C. VCF-style: chr8-99717305-A-C. GRCh37 (hg19) VCF-style: chr8-100729533-A-C.
Other names: c.6664A>C, p.Ser2222Arg (NM_017890.5); c.6589A>C (NM_152564.4); short protein forms S2197R, S2222R.
Identifiers: ClinVar variation 1406016 (VCV001406016.7), dbSNP rs1319011435, ClinGen allele CA371867364.
Genomic context (GRCh38, chr8:99,717,305, plus strand): 5'-CGCATTCTGATAGGACCATGTTGTGCTACTGCCAATCTGGAAGCTAAGTGGTGTAAACAC[A>C]GCGGGAATCCAGGCCCAGAACAATCCATACCAAAAATATCCATTGACTTAAGAGGAGGTC-3'
Protein context (NP_689777.3, residues 2187-2207): ANLEAKWCKH[Ser2197Arg]GNPGPEQSIP